The following is an entry in ClinVar:

ClinVar aggregate classification (germline): Uncertain significance (1 of 4 stars; one submission).

Submission:

GeneDx
Classification: Uncertain significance. Last evaluated: 2024-02-07. Review status: criteria provided, single submitter. Criteria: GeneDx Variant Classification Process June 2021. Collection method: clinical testing. Allele origin: germline. Affected: yes.
Comment: Not observed at significant frequency in large population cohorts (gnomAD); In silico analysis supports that this missense variant does not alter protein structure/function; Has not been previously published as pathogenic or benign to our knowledge

NM_004595.5(SMS):c.644T>C (p.Met215Thr)

Gene: SMS (spermine synthase; plus strand). Cytogenetic location: Xp22.11.
Variant type: single nucleotide variant.
Coding change: c.644T>C on transcript NM_004595.5 (MANE Select); coding-DNA position 644, T replaced by C.
Protein change: p.Met215Thr; replaces methionine 215 with threonine.
Molecular consequence: missense variant.
Genome position (GRCh38, 1-based): chrX:21,978,098, T>C. VCF-style: chrX-21978098-T-C. GRCh37 (hg19) VCF-style: chrX-21996216-T-C.
Other names: c.485T>C, p.Met162Thr (NM_001258423.2); short protein forms M162T, M215T.
Identifiers: ClinVar variation 3368980 (VCV003368980.1).
Genomic context (GRCh38, chrX:21,978,098, plus strand): 5'-TCATTCTGGGAGGTGGAGACGGAGGCATATTGTGTGAAATAGTCAAACTAAAACCAAAGA[T>C]GGTCACTATGGTAGAGATATCCTTTGTTGTATAAGAGAACAAGTTCAGTGGGCTTCTTTT-3'
Protein context (NP_004586.2, residues 205-225): LCEIVKLKPK[Met215Thr]VTMVEIDQMV